The following is an entry in ClinVar:

ClinVar aggregate classification (germline): Conflicting classifications of pathogenicity. Review status: criteria provided, conflicting classifications (1 of 4 stars). 2 submissions from 2 submitters: Likely pathogenic (1); Uncertain significance (1). Last evaluated 2025-09-22.

Conditions:
DOORS syndrome (DOORS). Also called: DRC SYNDROME; BRACHYDACTYLY DUE TO ABSENCE OF DISTAL PHALANGES; ERONEN SYNDROME; Digitorenocerebral syndrome; DEAFNESS, ONYCHODYSTROPHY, OSTEODYSTROPHY, IMPAIRED INTELLECTUAL DEVELOPMENT, AND SEIZURES SYNDROME; DOORS Syndrome (Deafness, Onychodystrophy, Osteodystrophy, Mental Retardation, and Seizures). Identifiers: Orphanet 3231, Orphanet 79500, MedGen C0795934, MONDO:0009079, OMIM 220500. Disease mechanism: loss of function.

Allele frequency attached by ClinVar (database versions not stated): gnomAD below 0.00001 and 0.00001; gnomAD exomes 0.00001; TOPMed 0.00001; ExAC 0.00001.
gnomAD v4.1: 9 of 1,610,042 alleles (0.00056%); highest among the groups gnomAD compares: South Asian, 0.0099%; no homozygotes.

Submissions (2):

GeneDx
Classification: Likely pathogenic. Last evaluated: 2025-09-22. Review status: criteria provided, single submitter. Criteria: GeneDx Variant Classification Process June 2021. Collection method: clinical testing. Allele origin: germline.
Comment: Not observed at significant frequency in large population cohorts (gnomAD); In silico analysis supports that this missense variant has a deleterious effect on protein structure/function; This variant is associated with the following publications: (PMID: 27541164)

3billion
Classification: Uncertain significance for DOORS syndrome. Last evaluated: 2025-03-31. Review status: criteria provided, single submitter. Criteria: ACMG Guidelines, 2015. Collection method: clinical testing. Allele origin: germline. Affected: yes.

Literature cited by the submitters: PubMed 27541164 (cited by 3billion).

NM_020705.2(TBC1D24):c.338C>A

Gene: TBC1D24 (TBC1 domain family member 24; plus strand). Cytogenetic location: 16p13.3.
Variant type: single nucleotide variant.
Coding change: c.338C>A on transcript NM_020705.2; coding-DNA position 338, C replaced by A.
Molecular consequence: missense variant (on NM_001199107.2).
Genome position (GRCh38, 1-based): chr16:2,496,486, C>A. VCF-style: chr16-2496486-C-A. GRCh37 (hg19) VCF-style: chr16-2546487-C-A.
Other names: c.338C>A (NM_001199107.1); c.338C>A, p.Ala113Asp (NM_001199107.2, NM_020705.3); short protein forms A113D.
Identifiers: ClinVar variation 242534 (VCV000242534.4), dbSNP rs770820144.